The following is an entry in ClinVar:

ClinVar aggregate classification (germline): Pathogenic/Likely pathogenic. Review status: criteria provided, multiple submitters, no conflicts (2 of 4 stars). 4 submissions from 4 submitters: Pathogenic (1); Likely pathogenic (3). Last evaluated 2024-12-30.

Conditions:
Pyknodysostosis. Also called: Pycnodysostosis. Identifiers: Orphanet 763, MedGen C0238402, MONDO:0009940, OMIM 265800.

Allele frequency attached by ClinVar (database versions not stated): gnomAD 0.00001.

Submissions (4):

Natera, Inc.
Classification: Likely pathogenic for Pyknodysostosis. Last evaluated: 2024-12-30. Review status: criteria provided, single submitter. Criteria: Natera Variant Classification Schema (03/2026). Collection method: clinical testing. Allele origin: germline.
Comment: The c.364C>T variant in CTSK is a nonsense variant predicted to introduce a stop codon at amino acid 122. This variant is expected to result in nonsense mediated decay, truncation, or a dysfunctional protein product. This variant is rare in the general population with a frequency below the threshold expected for the associated phenotype(s). Given the available evidence, this variant is classified as Likely Pathogenic.

Fulgent Genetics
Classification: Likely pathogenic for Pyknodysostosis. Last evaluated: 2024-04-30. Review status: criteria provided, single submitter. Criteria: ACMG Guidelines, 2015. Collection method: clinical testing. Allele origin: germline.

Baylor Genetics
Classification: Likely pathogenic for Pyknodysostosis. Last evaluated: 2024-01-20. Review status: criteria provided, single submitter. Criteria: ACMG Guidelines, 2015. Collection method: clinical testing. Allele origin: unknown.

Labcorp Genetics (formerly Invitae), Labcorp
Classification: Pathogenic. Last evaluated: 2023-10-17. Review status: criteria provided, single submitter. Criteria: Invitae Variant Classification Sherloc (09022015). Collection method: clinical testing. Allele origin: germline.
Comment: This sequence change creates a premature translational stop signal (p.Arg122*) in the CTSK gene. It is expected to result in an absent or disrupted protein product. Loss-of-function variants in CTSK are known to be pathogenic (PMID: 12125807, 21569238). This variant is present in population databases (rs759107967, gnomAD 0.006%). This variant has not been reported in the literature in individuals affected with CTSK-related conditions. ClinVar contains an entry for this variant (Variation ID: 1076677). For these reasons, this variant has been classified as Pathogenic.

Literature cited by the submitters: PubMed 12125807 (cited by Labcorp Genetics (formerly Invitae), Labcorp); PubMed 21569238 (cited by Labcorp Genetics (formerly Invitae), Labcorp).

NM_000396.4(CTSK):c.364C>T (p.Arg122Ter)

Gene: CTSK (cathepsin K; minus strand). Cytogenetic location: 1q21.3.
Variant type: single nucleotide variant.
Coding change: c.364C>T on transcript NM_000396.4 (MANE Select); coding-DNA position 364, C replaced by T.
Protein change: p.Arg122Ter; replaces arginine 122 with a stop codon.
Molecular consequence: nonsense.
Genome position (GRCh38, 1-based): chr1:150,805,896, G>A on the plus strand (C>T on the coding strand, the complement: CTSK is on the minus strand). VCF-style: chr1-150805896-G-A. GRCh37 (hg19) VCF-style: chr1-150778372-G-A.
Other names: c.364C>T (NM_000396.3); short protein forms R122*.
Identifiers: ClinVar variation 1076677 (VCV001076677.11), dbSNP rs759107967, ClinGen allele CA1080525.
Genomic context (GRCh38, chr1:150,805,896, plus strand): 5'-GCACACCCAGAAGAAAGGAGAGTACCTGATTTTTGACAGGAGTAACATATCCTTTCTTTC[G>A]ATAGTCGACAGAGTCTGGGGCTCTACCTTCCCATTCTGGGATATAAAGGGTGTCATTACT-3'